The following is an entry in ClinVar:

ClinVar aggregate classification (germline): Benign. Review status: criteria provided, multiple submitters, no conflicts (2 of 4 stars). 9 submissions from 8 submitters: Benign (9). Last evaluated 2026-02-04.

Conditions:
Exostoses, multiple, type 1 (EXT1). Also called: Hereditary Multiple Osteochondromatosis, Type I; EXOSTOSES, MULTIPLE, TYPE I. Identifiers: MedGen CN263289, MONDO:0007585, OMIM 133700.
Exostoses, multiple, type 2 (EXT2). Also called: Hereditary Multiple Osteochondromatosis, Type II; EXOSTOSES, MULTIPLE, TYPE II. Identifiers: Orphanet 321, MedGen C1851413, MONDO:0007586, OMIM 133701.

Allele frequency attached by ClinVar (database versions not stated): ESP Exome Variant Server 0.00584; TOPMed 0.02084; 1000 Genomes Project 30x 0.07417; 1000 Genomes Project 0.07808.
gnomAD v4.1: 25,239 of 1,614,126 alleles (1.6%); highest among the groups gnomAD compares: East Asian, 25%; 1,714 homozygotes.

Submissions (9):

Labcorp Genetics (formerly Invitae), Labcorp
Classification: Benign for Exostoses, multiple, type 2. Last evaluated: 2026-02-04. Review status: criteria provided, single submitter. Criteria: Invitae Variant Classification Sherloc (09022015). Collection method: clinical testing. Allele origin: germline.

KCCC/NGS Laboratory, Kuwait Cancer Control Center
Classification: Benign for Exostoses, multiple, type 2. Last evaluated: 2025-02-01. Review status: criteria provided, single submitter. Criteria: ACMG Guidelines, 2015. Collection method: clinical testing. Allele origin: germline. Affected: no.

KCCC/NGS Laboratory, Kuwait Cancer Control Center
Classification: Benign for Exostoses, multiple, type 1. Last evaluated: 2023-07-07. Review status: criteria provided, single submitter. Criteria: ACMG Guidelines, 2015. Collection method: clinical testing. Allele origin: germline. Affected: yes.

Mayo Clinic Laboratories, Mayo Clinic
Classification: Benign. Last evaluated: 2021-04-26. Review status: criteria provided, single submitter. Criteria: ACMG Guidelines, 2015. Collection method: clinical testing. Allele origin: germline. Observed: 13 variant alleles.

Illumina Laboratory Services, Illumina
Classification: Benign for Exostoses, multiple, type 2. Last evaluated: 2018-01-12. Review status: criteria provided, single submitter. Criteria: ICSL Variant Classification Criteria 13 December 2019. Collection method: clinical testing. Allele origin: germline.
Comment: This variant was observed in the ICSL laboratory as part of a predisposition screen in an ostensibly healthy population. It had not been previously curated by ICSL or reported in the Human Gene Mutation Database (HGMD: prior to June 1st, 2018), and was therefore a candidate for classification through an automated scoring system. Utilizing variant allele frequency, disease prevalence and penetrance estimates, and inheritance mode, an automated score was calculated to assess if this variant is too frequent to cause the disease. Based on the score and internal cut-off values, a variant classified as benign is not then subjected to further curation. The score for this variant resulted in a classification of benign for this disease.

GeneDx
Classification: Benign. Last evaluated: 2015-03-03. Review status: criteria provided, single submitter. Criteria: GeneDx Variant Classification Process June 2021. Collection method: clinical testing. Allele origin: germline. Affected: yes.

Eurofins Ntd Llc (ga)
Classification: Benign. Last evaluated: 2014-10-20. Review status: criteria provided, single submitter. Criteria: EGL Classification Definitions 2015. Collection method: clinical testing. Allele origin: germline. Observed: 3 variant alleles, 2 heterozygotes, 1 homozygote.

Breakthrough Genomics
Classification: Benign. Review status: criteria provided, single submitter. Criteria: ACMG Guidelines, 2015. Collection method: not provided. Allele origin: germline. Inheritance: Autosomal recessive inheritance. Affected: yes.

PreventionGenetics, part of Exact Sciences
Classification: Benign. Review status: criteria provided, single submitter. Criteria: ACMG Guidelines, 2015. Collection method: clinical testing. Allele origin: germline.

NM_207122.2(EXT2):c.28C>A (p.Arg10=)

Gene: EXT2 (exostosin glycosyltransferase 2; plus strand). Cytogenetic location: 11p11.2.
Variant type: single nucleotide variant.
Coding change: c.28C>A on transcript NM_207122.2 (MANE Select); coding-DNA position 28, C replaced by A.
Protein change: p.Arg10=; no amino-acid change (arginine 10 retained).
Molecular consequence: synonymous variant.
Genome position (GRCh38, 1-based): chr11:44,107,740, C>A. VCF-style: chr11-44107740-C-A. GRCh37 (hg19) VCF-style: chr11-44129290-C-A.
Other names: p.Arg10=; c.127C>A, p.Arg43= (NM_000401.3); c.28C>A, p.Arg10= (NM_001178083.3, NM_001389628.1, NM_001389630.1).
Identifiers: ClinVar variation 195445 (VCV000195445.25), dbSNP rs4755228, ClinGen allele CA201754.